The following is an entry in ClinVar:

NM_198253.3(TERT):c.1103C>T (p.Ser368Phe)

Gene: TERT (telomerase reverse transcriptase; minus strand). Cytogenetic location: 5p15.33.
Variant type: single nucleotide variant.
Coding change: c.1103C>T on transcript NM_198253.3 (MANE Select); coding-DNA position 1103, C replaced by T.
Protein change: p.Ser368Phe; replaces serine 368 with phenylalanine.
Molecular consequence: missense variant. On other transcripts: non-coding transcript variant (2).
Genome position (GRCh38, 1-based): chr5:1,293,783, G>A on the plus strand (C>T on the coding strand, the complement: TERT is on the minus strand). VCF-style: chr5-1293783-G-A. GRCh37 (hg19) VCF-style: chr5-1293898-G-A.
Other names: c.1103C>T, p.Ser368Phe (NM_001193376.3); short protein forms S368F.
Identifiers: ClinVar variation 958592 (VCV000958592.10), dbSNP rs1751163294, ClinGen allele CA359055570.

ClinVar aggregate classification (germline): Uncertain significance (1 of 4 stars; one submission).

Conditions:
Idiopathic Pulmonary Fibrosis. Also called: Idiopathic fibrosing alveolitis, chronic form; idiopathic fibrosing alveolitis. Identifiers: Orphanet 2032, MedGen C1800706, MeSH D054990, MONDO:0800504.
Dyskeratosis congenita, autosomal dominant 2. Identifiers: MedGen C3151443, MONDO:0013521, OMIM 613989.

Submission:

Labcorp Genetics (formerly Invitae), Labcorp
Classification: Uncertain significance for Dyskeratosis congenita, autosomal dominant 2; Idiopathic Pulmonary Fibrosis. Last evaluated: 2023-02-04. Review status: criteria provided, single submitter. Criteria: Invitae Variant Classification Sherloc (09022015). Collection method: clinical testing. Allele origin: germline.
Comment: Advanced modeling of protein sequence and biophysical properties (such as structural, functional, and spatial information, amino acid conservation, physicochemical variation, residue mobility, and thermodynamic stability) has been performed at Invitae for this missense variant, however the output from this modeling did not meet the statistical confidence thresholds required to predict the impact of this variant on TERT protein function. In summary, the available evidence is currently insufficient to determine the role of this variant in disease. Therefore, it has been classified as a Variant of Uncertain Significance. ClinVar contains an entry for this variant (Variation ID: 958592). This missense change has been observed in individual(s) with aplastic anemia and idiopathic pulmonary fibrosis (PMID: 25244922). This variant is not present in population databases (gnomAD no frequency). This sequence change replaces serine, which is neutral and polar, with phenylalanine, which is neutral and non-polar, at codon 368 of the TERT protein (p.Ser368Phe).

Literature cited by the submitters: PubMed 25244922.